The following is an entry in ClinVar:

NM_005045.4(RELN):c.6199_6200delinsAA (p.Ser2067Asn)

Gene: RELN (reelin; minus strand). Cytogenetic location: 7q22.1.
Variant type: Indel.
Coding change: c.6199_6200delinsAA on transcript NM_005045.4 (MANE Select); coding-DNA positions 6199 to 6200, TC replaced by AA.
Protein change: p.Ser2067Asn; replaces serine 2067 with asparagine.
Molecular consequence: missense variant.
Genome position (GRCh38, 1-based): chr7:103,551,169-103,551,170, GA replaced by TT on the plus strand (TC replaced by AA on the coding strand, the reverse complement: RELN is on the minus strand). VCF-style: chr7-103551169-GA-TT. GRCh37 (hg19) VCF-style: chr7-103191616-GA-TT.
Other names: c.6199_6200delinsAA, p.Ser2067Asn (NM_173054.3); short protein forms S2067N.
Identifiers: ClinVar variation 4785302 (VCV004785302.1).
Genomic context (GRCh38, chr7:103,551,169, plus strand): 5'-CAGCCCTGCATGGTTCCTGCGTAGTAGGTGCTGCTGGGGTGGTGCTCGGTGGAGCATAAA[GA>TT]GCTGACGTGGCTGCTGCTGTGGTAGCAGAGGGGCAGCAGAAGGTGCCAGGTCGCCCCGAA-3'
Protein context (NP_005036.2, residues 2057-2077): LCYHSSSHVS[Ser2067Asn]LCSTEHHPSS

ClinVar aggregate classification (germline): Uncertain significance (1 of 4 stars; one submission).

Conditions:
Norman-Roberts syndrome (LIS2). Also called: Lissencephaly 2 (Norman-Roberts type). Identifiers: Orphanet 89844, MedGen C0796089, MONDO:0009760, OMIM 257320.
Familial temporal lobe epilepsy 7. Identifiers: Orphanet 101046, MedGen C4225327, MONDO:0014639, OMIM 616436.

Submission:

Labcorp Genetics (formerly Invitae), Labcorp
Classification: Uncertain significance for Familial temporal lobe epilepsy 7; Norman-Roberts syndrome. Last evaluated: 2025-06-15. Review status: criteria provided, single submitter. Criteria: Invitae Variant Classification Sherloc (09022015). Collection method: clinical testing. Allele origin: germline.
Comment: This sequence change replaces serine, which is neutral and polar, with asparagine, which is neutral and polar, at codon 2067 of the RELN protein (p.Ser2067Asn). Information on the frequency of this variant in the gnomAD database is not available, as this variant may be reported differently in the database. This variant has not been reported in the literature in individuals affected with RELN-related conditions. An algorithm developed to predict the effect of missense changes on protein structure and function (PolyPhen-2) suggests that this variant is likely to be disruptive. In summary, the available evidence is currently insufficient to determine the role of this variant in disease. Therefore, it has been classified as a Variant of Uncertain Significance.